The following is an entry in ClinVar:

NM_002408.4(MGAT2):c.69C>T (p.Val23=)

Gene: MGAT2 (alpha-1,6-mannosyl-glycoprotein 2-beta-N-acetylglucosaminyltransferase; plus strand). Cytogenetic location: 14q21.3.
Variant type: single nucleotide variant.
Coding change: c.69C>T on transcript NM_002408.4 (MANE Select); coding-DNA position 69, C replaced by T.
Protein change: p.Val23=; no amino-acid change (valine 23 retained).
Molecular consequence: synonymous variant.
Genome position (GRCh38, 1-based): chr14:49,621,337, C>T. VCF-style: chr14-49621337-C-T. GRCh37 (hg19) VCF-style: chr14-50088055-C-T.
Identifiers: ClinVar variation 3031582 (VCV003031582.2), dbSNP rs1882840976, ClinGen allele CA486349518.
Genomic context (GRCh38, chr14:49,621,337, plus strand): 5'-CCGCATCTACAAACGGAAGGTGCTAATCCTGACGCTCGTGGTGGCCGCCTGCGGCTTCGT[C>T]CTCTGGAGCAGCAATGGGCGACAAAGGAAGAACGAGGCCCTCGCCCCACCGTTGCTGGAC-3'
Protein context (NP_002399.1, residues 13-33): LTLVVAACGF[Val23=]LWSSNGRQRK

ClinVar aggregate classification (germline): Likely benign (0 of 4 stars; one submission).

Conditions:
MGAT2-related disorder. Also called: MGAT2-related condition.

Allele frequency attached by ClinVar (database versions not stated): TOPMed below 0.00001.

Submission:

PreventionGenetics, part of Exact Sciences
Classification: Likely benign for MGAT2-related condition. Last evaluated: 2021-10-06. Review status: no assertion criteria provided. Collection method: clinical testing. Allele origin: germline.
Comment: This variant is classified as likely benign based on ACMG/AMP sequence variant interpretation guidelines (Richards et al. 2015 PMID: 25741868, with internal and published modifications).